The following is an entry in ClinVar:

ClinVar aggregate classification (germline): Pathogenic/Likely pathogenic. Review status: criteria provided, multiple submitters, no conflicts (2 of 4 stars). 5 submissions from 5 submitters: Pathogenic (4); Likely pathogenic (1). Last evaluated 2024-05-08.

Conditions:
Hereditary cancer-predisposing syndrome. Also called: Hereditary neoplastic syndrome; Neoplastic Syndromes, Hereditary; Tumor predisposition; Hereditary Cancer Syndrome. Identifiers: Orphanet 140162, MedGen C0027672, MeSH D009386, MONDO:0015356.
Microcephaly, normal intelligence and immunodeficiency (NBS). Also called: Nijmegen breakage syndrome; Microcephaly with normal intelligence immunodeficiency and lymphoreticular malignancies; Nonsyndromal microcephaly autosomal recessive with normal intelligence; Seemanova syndrome 2; SEEMANOVA SYNDROME II; BERLIN BREAKAGE SYNDROME. Identifiers: Orphanet 647, MedGen C0398791, MONDO:0009623, OMIM 251260.

Submissions (5):

Myriad Genetics, Inc.
Classification: Pathogenic for Microcephaly, normal intelligence and immunodeficiency. Last evaluated: 2024-05-08. Review status: criteria provided, single submitter. Criteria: Myriad Autosomal Dominant, Autosomal Recessive and X-Linked Classification Criteria (2023). Collection method: clinical testing. Allele origin: unknown.
Comment: NM_002485.4(NBN):c.55_56delTT(L19Dfs*4) is expected to be pathogenic in the context of Nijmegen breakage syndrome. This variant is predicted to lead to an abnormal or absent protein product due to the creation of a premature termination codon in NBN, a gene where loss-of-function variants are known to be pathogenic. Please note: this variant was assessed in the context of healthy population screening.

Labcorp Genetics (formerly Invitae), Labcorp
Classification: Pathogenic for Microcephaly, normal intelligence and immunodeficiency. Last evaluated: 2024-02-09. Review status: criteria provided, single submitter. Criteria: Invitae Variant Classification Sherloc (09022015). Collection method: clinical testing. Allele origin: germline.
Comment: This sequence change creates a premature translational stop signal (p.Leu19Aspfs*4) in the NBN gene. It is expected to result in an absent or disrupted protein product. Loss-of-function variants in NBN are known to be pathogenic (PMID: 9590180, 16415040). This variant is not present in population databases (gnomAD no frequency). This variant has not been reported in the literature in individuals affected with NBN-related conditions. ClinVar contains an entry for this variant (Variation ID: 231696). For these reasons, this variant has been classified as Pathogenic.

Ambry Genetics
Classification: Pathogenic for Hereditary cancer-predisposing syndrome. Last evaluated: 2022-10-25. Review status: criteria provided, single submitter. Criteria: Ambry Variant Classification Scheme 2023. Collection method: clinical testing. Allele origin: germline.
Comment: The c.55_56delTT pathogenic mutation, located in coding exon 2 of the NBN gene, results from a deletion of two nucleotides at nucleotide positions 55 to 56, causing a translational frameshift with a predicted alternate stop codon (p.L19Dfs*4). This alteration is expected to result in loss of function by premature protein truncation or nonsense-mediated mRNA decay. As such, this alteration is interpreted as a disease-causing mutation.

GeneDx
Classification: Likely pathogenic. Last evaluated: 2021-11-10. Review status: criteria provided, single submitter. Criteria: GeneDx Variant Classification Process June 2021. Collection method: clinical testing. Allele origin: germline. Affected: yes.
Comment: Frameshift variant predicted to result in protein truncation or nonsense mediated decay in a gene for which loss-of-function is a known mechanism of disease; Not observed at a significant frequency in large population cohorts (Lek 2016); Has not been previously published as pathogenic or benign to our knowledge

Genome-Nilou Lab
Classification: Pathogenic for Microcephaly, normal intelligence and immunodeficiency. Last evaluated: 2021-11-07. Review status: criteria provided, single submitter. Criteria: ACMG Guidelines, 2015. Collection method: clinical testing. Allele origin: germline. Affected: no.

Literature cited by the submitters: PubMed 9590180 (cited by Labcorp Genetics (formerly Invitae), Labcorp); PubMed 16415040 (cited by Labcorp Genetics (formerly Invitae), Labcorp).

NM_002485.5(NBN):c.55_56del (p.Leu19fs)

Gene: NBN (nibrin; minus strand). Cytogenetic location: 8q21.3.
Variant type: Deletion.
Coding change: c.55_56del on transcript NM_002485.5 (MANE Select); coding-DNA positions 55 to 56, 2 bases deleted (TT; older notation c.55_56delTT).
Protein change: p.Leu19fs; shifts the reading frame from leucine 19.
Molecular consequence: frameshift variant. On other transcripts: 5 prime UTR variant (1).
Genome position (GRCh38, 1-based): chr8:89,982,837-89,982,838, AA deleted on the plus strand (TT on the coding strand, the reverse complement: NBN is on the minus strand); deleting any 2 consecutive bases within chr8:89,982,837-89,982,840 gives the same sequence; the c. name uses the placement nearest the transcript's 3' end. VCF-style (leftmost placement, unchanged base first): chr8-89982836-CAA-C. GRCh37 (hg19) VCF-style: chr8-90995064-CAA-C.
Other names: c.-242_-241del (NM_001024688.3); c.55_56delTT (NM_002485.4); short protein forms L19fs.
Identifiers: ClinVar variation 231696 (VCV000231696.19), dbSNP rs876659305, ClinGen allele CA10578818.
Genomic context (GRCh38, chr8:89,982,836, plus strand): 5'-CTGATCATTTTCAATCAGAATGGCACAGTTTTTCCTTCCAACAACGTACTCAACGCCAGT[CAA>C]AAGTCTGTATGGTTCTCCTGAGATAAATTTTTTTTTAAAAAAAGATAAGTTGATAGACAC-3'